The following is an entry in ClinVar:

NM_020745.4(AARS2):c.2306G>A (p.Arg769His)

Gene: AARS2 (alanyl-tRNA synthetase 2, mitochondrial; minus strand). Cytogenetic location: 6p21.1.
Variant type: single nucleotide variant.
Coding change: c.2306G>A on transcript NM_020745.4 (MANE Select); coding-DNA position 2306, G replaced by A.
Protein change: p.Arg769His; replaces arginine 769 with histidine.
Molecular consequence: missense variant.
Genome position (GRCh38, 1-based): chr6:44,302,860, C>T on the plus strand (G>A on the coding strand, the complement: AARS2 is on the minus strand). VCF-style: chr6-44302860-C-T. GRCh37 (hg19) VCF-style: chr6-44270597-C-T.
Other names: short protein forms R769H.
Identifiers: ClinVar variation 2043963 (VCV002043963.1), dbSNP rs369019471, ClinGen allele CA3834024.

ClinVar aggregate classification (germline): Uncertain significance (1 of 4 stars; one submission).

Allele frequency attached by ClinVar (database versions not stated): ExAC 0.00002; gnomAD 0.00003; TOPMed 0.00003.
gnomAD v4.1: 20 of 1,613,940 alleles (0.0012%); highest among the groups gnomAD compares: African/African-American, 0.0053%; no homozygotes.

Submission:

Labcorp Genetics (formerly Invitae), Labcorp
Classification: Uncertain significance. Last evaluated: 2022-09-19. Review status: criteria provided, single submitter. Criteria: Invitae Variant Classification Sherloc (09022015). Collection method: clinical testing. Allele origin: germline.
Comment: This sequence change replaces arginine, which is basic and polar, with histidine, which is basic and polar, at codon 769 of the AARS2 protein (p.Arg769His). This variant is present in population databases (rs369019471, gnomAD 0.007%). This variant has not been reported in the literature in individuals affected with AARS2-related conditions. Algorithms developed to predict the effect of missense changes on protein structure and function (SIFT, PolyPhen-2, Align-GVGD) all suggest that this variant is likely to be tolerated. In summary, the available evidence is currently insufficient to determine the role of this variant in disease. Therefore, it has been classified as a Variant of Uncertain Significance.